The following is an entry in ClinVar:

NM_000169.3(GLA):c.1190A>G (p.Tyr397Cys)

Genes: GLA (galactosidase alpha; minus strand), RPL36A-HNRNPH2 (RPL36A-HNRNPH2 readthrough; plus strand). Cytogenetic location: Xq22.1.
Variant type: single nucleotide variant.
Coding change: c.1190A>G on transcript NM_000169.3 (MANE Select); coding-DNA position 1190, A replaced by G.
Protein change: p.Tyr397Cys; replaces tyrosine 397 with cysteine.
Molecular consequence: missense variant. On other transcripts: non-coding transcript variant (3), intron variant (2).
Genome position (GRCh38, 1-based): chrX:101,397,909, T>C on the plus strand (A>G on the coding strand, the complement: GLA is on the minus strand). VCF-style: chrX-101397909-T-C. GRCh37 (hg19) VCF-style: chrX-100652897-T-C.
Other names: c.1313A>G, p.Tyr438Cys (NM_001406747.1); c.300+2452T>C (NM_001199973.2); c.177+6087T>C (NM_001199974.2); short protein forms Y397C, Y438C.
Identifiers: ClinVar variation 1687493 (VCV001687493.1), dbSNP rs2147470653, ClinGen allele CA413919678.

ClinVar aggregate classification (germline): Uncertain significance (1 of 4 stars; one submission).

Conditions:
Fabry disease. Also called: CERAMIDE TRIHEXOSIDASE DEFICIENCY; GLA DEFICIENCY; HEREDITARY DYSTOPIC LIPIDOSIS; Fabry's disease; ALPHA-GALACTOSIDASE A DEFICIENCY; ANDERSON-FABRY DISEASE. Identifiers: Orphanet 324, MedGen C0002986, MONDO:0010526, OMIM 301500, HP:0001071. Disease mechanism: Fabry disease is due to inactivating mutations in the X-linked GLA gene resulting in deficiency of the enzyme Alpha Galactosidase-A., loss of function.

Allele frequency attached by ClinVar (database versions not stated): gnomAD exomes below 0.00001.

Submission:

3billion
Classification: Uncertain significance for Fabry disease. Last evaluated: 2022-05-22. Review status: criteria provided, single submitter. Criteria: ACMG Guidelines, 2015. Collection method: clinical testing. Allele origin: germline. Affected: yes. Observed: 1 hemizygote.
Comment: The variant is not observed in the gnomAD v2.1.1 dataset. In silico tool predictions suggest damaging effect of the variant on gene or gene product (REVEL: 0.40; 3Cnet: 0.87). Therefore, this variant is classified as uncertain significanceaccording to the recommendation of ACMG/AMP guideline.